The following is an entry in ClinVar:

ClinVar aggregate classification (germline): Likely benign. Review status: criteria provided, multiple submitters, no conflicts (2 of 4 stars). 3 submissions from 3 submitters: Likely benign (2). 1 of the submissions does not count toward it. Last evaluated 2025-08-08.

Conditions:
Dyskeratosis congenita. Identifiers: Orphanet 1775, MedGen C0265965, MONDO:0015780.
NHP2-related disorder. Also called: NHP2-related condition.

Allele frequency attached by ClinVar (database versions not stated): ExAC 0.00002.
gnomAD v4.1: 99 of 1,613,840 alleles (0.0061%); highest among the groups gnomAD compares: Non-Finnish European, 0.0081%; no homozygotes.

Submissions (3):

Labcorp Genetics (formerly Invitae), Labcorp
Classification: Likely benign for Dyskeratosis congenita. Last evaluated: 2025-08-08. Review status: criteria provided, single submitter. Criteria: Invitae Variant Classification Sherloc (09022015). Collection method: clinical testing. Allele origin: germline.

Blueprint Genetics
Classification: Likely benign. Last evaluated: 2024-11-04. Review status: criteria provided, single submitter. Criteria: ACMG Guidelines, 2015. Collection method: clinical testing. Allele origin: germline.

PreventionGenetics, part of Exact Sciences
Classification: Likely benign for NHP2-related condition. Last evaluated: 2023-05-16. Review status: no assertion criteria provided. Collection method: clinical testing. Allele origin: germline. Not counted in ClinVar's aggregate classification.
Comment: This variant is classified as likely benign based on ACMG/AMP sequence variant interpretation guidelines (Richards et al. 2015 PMID: 25741868, with internal and published modifications).

NM_017838.4(NHP2):c.230+8C>A

Gene: NHP2 (NHP2 ribonucleoprotein; minus strand). Cytogenetic location: 5q35.3.
Variant type: single nucleotide variant.
Coding change: c.230+8C>A on transcript NM_017838.4 (MANE Select); 8 bases into the intron after coding-DNA position 230, C replaced by A.
Molecular consequence: intron variant.
Genome position (GRCh38, 1-based): chr5:178,153,483, G>T on the plus strand (C>A on the coding strand, the complement: NHP2 is on the minus strand). VCF-style: chr5-178153483-G-T. GRCh37 (hg19) VCF-style: chr5-177580484-G-T.
Other names: c.230+8C>A (NM_017838.3, NM_001034833.2).
Identifiers: ClinVar variation 1159775 (VCV001159775.12), dbSNP rs764940566, ClinGen allele CA3589222.